The following is an entry in ClinVar:

NM_018451.5(CPAP):c.1409C>T (p.Pro470Leu)

Gene: CPAP (centrosome assembly and centriole elongation protein; minus strand). Cytogenetic location: 13q12.13.
Variant type: single nucleotide variant.
Coding change: c.1409C>T on transcript NM_018451.5 (MANE Select); coding-DNA position 1409, C replaced by T.
Protein change: p.Pro470Leu; replaces proline 470 with leucine.
Molecular consequence: missense variant. On other transcripts: non-coding transcript variant (2).
Genome position (GRCh38, 1-based): chr13:24,906,629, G>A on the plus strand (C>T on the coding strand, the complement: CPAP is on the minus strand). VCF-style: chr13-24906629-G-A. GRCh37 (hg19) VCF-style: chr13-25480767-G-A.
Other names: short protein forms P470L.
Identifiers: ClinVar variation 596130 (VCV000596130.10), dbSNP rs142535552, ClinGen allele CA6919762.

ClinVar aggregate classification (germline): Uncertain significance. Review status: criteria provided, multiple submitters, no conflicts (2 of 4 stars). 4 submissions from 3 submitters: Uncertain significance (4). Last evaluated 2022-07-09.

Conditions:
Seckel syndrome 4 (SCKL4). Identifiers: Orphanet 808, MedGen C3888212, MONDO:0013358, OMIM 613676.
Microcephaly 6, primary, autosomal recessive. Identifiers: Orphanet 2512, MedGen C1842109, MONDO:0012029, OMIM 608393.

Allele frequency attached by ClinVar (database versions not stated): 1000 Genomes Project 30x 0.00016; ExAC 0.00017; 1000 Genomes Project 0.00020; gnomAD 0.00051 and 0.00058; TOPMed 0.00056; ESP Exome Variant Server 0.00062.
gnomAD v4.1: 362 of 1,614,162 alleles (0.022%); highest among the groups gnomAD compares: African/African-American, 0.16%; no homozygotes.

Submissions (4):

Labcorp Genetics (formerly Invitae), Labcorp
Classification: Uncertain significance. Last evaluated: 2022-07-09. Review status: criteria provided, single submitter. Criteria: Invitae Variant Classification Sherloc (09022015). Collection method: clinical testing. Allele origin: germline.
Comment: This sequence change replaces proline, which is neutral and non-polar, with leucine, which is neutral and non-polar, at codon 470 of the CENPJ protein (p.Pro470Leu). This variant is present in population databases (rs142535552, gnomAD 0.1%). This variant has not been reported in the literature in individuals affected with CENPJ-related conditions. ClinVar contains an entry for this variant (Variation ID: 596130). Algorithms developed to predict the effect of missense changes on protein structure and function are either unavailable or do not agree on the potential impact of this missense change (SIFT: "Deleterious"; PolyPhen-2: "Possibly Damaging"; Align-GVGD: "Class C0"). In summary, the available evidence is currently insufficient to determine the role of this variant in disease. Therefore, it has been classified as a Variant of Uncertain Significance.

Eurofins Ntd Llc (ga)
Classification: Uncertain significance. Last evaluated: 2018-03-01. Review status: criteria provided, single submitter. Criteria: EGL ClinVar v180209 classification definitions. Collection method: clinical testing. Allele origin: germline. Observed: 1 variant allele, 1 heterozygote.

Illumina Laboratory Services, Illumina
Classification: Uncertain significance for Microcephaly 6, primary, autosomal recessive. Last evaluated: 2018-01-12. Review status: criteria provided, single submitter. Criteria: ICSL Variant Classification Criteria 13 December 2019. Collection method: clinical testing. Allele origin: germline.

Illumina Laboratory Services, Illumina
Classification: Uncertain significance for Seckel syndrome 4. Last evaluated: 2018-01-12. Review status: criteria provided, single submitter. Criteria: ICSL Variant Classification Criteria 13 December 2019. Collection method: clinical testing. Allele origin: germline.